The following is an entry in ClinVar:

ClinVar aggregate classification (germline): Uncertain significance (1 of 4 stars; one submission).

Allele frequency attached by ClinVar (database versions not stated): gnomAD exomes below 0.00001; ExAC 0.00001; gnomAD 0.00001; TOPMed 0.00002; ESP Exome Variant Server 0.00015.
gnomAD v4.1: 4 of 1,614,030 alleles (0.00025%); highest among the groups gnomAD compares: African/African-American, 0.004%; no homozygotes.

Submission:

GeneDx
Classification: Uncertain significance. Last evaluated: 2019-04-17. Review status: criteria provided, single submitter. Criteria: GeneDx Variant Classification Process June 2021. Collection method: clinical testing. Allele origin: germline. Affected: yes.
Comment: In silico analysis, which includes protein predictors and evolutionary conservation, supports a deleterious effect; Has not been previously published as pathogenic or benign to our knowledge

NM_006922.4(SCN3A):c.2606A>G (p.Asn869Ser)

Gene: SCN3A (sodium voltage-gated channel alpha subunit 3; minus strand). Cytogenetic location: 2q24.3.
Variant type: single nucleotide variant.
Coding change: c.2606A>G on transcript NM_006922.4 (MANE Select); coding-DNA position 2606, A replaced by G.
Protein change: p.Asn869Ser; replaces asparagine 869 with serine.
Molecular consequence: missense variant.
Genome position (GRCh38, 1-based): chr2:165,130,256, T>C on the plus strand (A>G on the coding strand, the complement: SCN3A is on the minus strand). VCF-style: chr2-165130256-T-C. GRCh37 (hg19) VCF-style: chr2-165986766-T-C.
Other names: c.2459A>G, p.Asn820Ser (NM_001081676.2, NM_001081677.2); short protein forms N820S, N869S.
Identifiers: ClinVar variation 1305013 (VCV001305013.2), dbSNP rs139866701, ClinGen allele CA1938919.
Genomic context (GRCh38, chr2:165,130,256, plus strand): 5'-AACACCAAGGTGAGGTTTCCTAGAGCCCCCACAGAATTGCCAATGATCTTAATTAGCATA[T>C]TTAGTGTGGGCCAGGATTTTGCCAACTTGAAAACTCTAAGCTGTAATCAAGTGAAAAGAT-3'
Protein context (NP_008853.3, residues 859-879): FKLAKSWPTL[Asn869Ser]MLIKIIGNSV